The following is an entry in ClinVar:

ClinVar aggregate classification (germline): Uncertain significance (1 of 4 stars; one submission).

Conditions:
Wilson disease (WND). Also called: Wilson's disease. Identifiers: Orphanet 905, MedGen C0019202, MONDO:0010200, OMIM 277900. Disease mechanism: loss of function.

Submission:

All of Us Research Program, National Institutes of Health
Classification: Uncertain significance for Wilson disease. Last evaluated: 2023-02-15. Review status: criteria provided, single submitter. Criteria: ACMG Guidelines, 2015. Collection method: clinical testing. Allele origin: germline. Inheritance: Autosomal recessive inheritance. Observed: 1 variant allele, 1 heterozygote.
Comment: This missense variant replaces methionine with threonine at codon 1406 of the ATP7B protein. Computational prediction is inconclusive regarding the impact of this variant on protein structure and function (internally defined REVEL score threshold 0.5 < inconclusive < 0.7, PMID: 27666373). To our knowledge, functional studies have not been reported for this variant. This variant has not been reported in individuals affected with Wilson disease in the literature. This variant has not been identified in the general population by the Genome Aggregation Database (gnomAD). The available evidence is insufficient to determine the role of this variant in disease conclusively. Therefore, this variant is classified as a Variant of Uncertain Significance.

This study involves interpretation of variants in research participants for the purpose of population health screening. Participant phenotype was not available at the time of variant classification. Additional details can be found in publication PMID: 35346344, PMCID: PMC8962531

NM_000053.4(ATP7B):c.4217T>C (p.Met1406Thr)

Gene: ATP7B (ATPase copper transporting beta; minus strand). Cytogenetic location: 13q14.3.
Variant type: single nucleotide variant.
Coding change: c.4217T>C on transcript NM_000053.4 (MANE Select); coding-DNA position 4217, T replaced by C.
Protein change: p.Met1406Thr; replaces methionine 1406 with threonine.
Molecular consequence: missense variant.
Genome position (GRCh38, 1-based): chr13:51,934,937, A>G on the plus strand (T>C on the coding strand, the complement: ATP7B is on the minus strand). VCF-style: chr13-51934937-A-G. GRCh37 (hg19) VCF-style: chr13-52509073-A-G.
Other names: c.3596T>C, p.Met1199Thr (NM_001005918.3); c.3884T>C, p.Met1295Thr (NM_001243182.2); c.3983T>C, p.Met1328Thr (NM_001330578.2, NM_001406527.1, NM_001406528.1); c.3965T>C, p.Met1322Thr (NM_001330579.2, NM_001406531.1, NM_001406532.1); c.4217T>C, p.Met1406Thr (NM_001406511.1, NM_001406512.1); c.4211T>C, p.Met1404Thr (NM_001406513.1); c.4184T>C, p.Met1395Thr (NM_001406514.1); c.4163T>C, p.Met1388Thr (NM_001406515.1, NM_001406516.1); and 21 more; short protein forms M1125T, M1179T, M1190T, M1199T, M1212T, M1242T, M1244T, M1257T.
Identifiers: ClinVar variation 3069384 (VCV003069384.1), dbSNP rs2547542486, ClinGen allele CA388019556.